The following continues an entry in ClinVar:

NM_001048174.2(MUTYH):c.649C>T (p.Arg217Cys)

Gene: MUTYH. ClinVar aggregate classification (germline): Pathogenic. Pathogenic (13).

Submissions 9 to 16 of 16:

Quest Diagnostics Nichols Institute San Juan Capistrano
Classification: Pathogenic. Last evaluated: 2021-07-29. Review status: criteria provided, single submitter. Criteria: Quest Diagnostics criteria. Collection method: clinical testing. Allele origin: unknown.
Comment: This variant has been reported in multiple unrelated individuals with MUTYH-Associated Polyposis (MAP) and colorectal cancer in the published literature (PMIDs: 28141798 (2017), 23108399 (2013)),17949294 (2007), and 15890374 (2005)). Additionally, functional studies demonstrate a damaging effect of this variant on MUTYH protein function (PMIDs: 23108399 (2013) and 25820570 (2015)). Based on the available information, this variant is classified as pathogenic.

Women's Health and Genetics/Laboratory Corporation of America, LabCorp
Classification: Pathogenic for Familial adenomatous polyposis 2. Last evaluated: 2021-02-05. Review status: criteria provided, single submitter. Criteria: LabCorp Variant Classification Summary - May 2015. Collection method: clinical testing. Allele origin: germline.
Comment: Variant summary: MUTYH c.733C>T (p.Arg245Cys) results in a non-conservative amino acid change located in the HhH-GPD domain (IPR003265) of the encoded protein sequence. Five of five in-silico tools predict a damaging effect of the variant on protein function. The variant allele was found at a frequency of 5.6e-05 in 250436 control chromosomes (gnomAD and publication data). This frequency is not higher than expected for a pathogenic variant in MUTYH causing MUTYH-Associated Polyposis (5.6e-05 vs 0.0046), allowing no conclusion about variant significance. c.733C>T has been reported in the literature in multiple individuals affected with adenomatous polyposis, either in homozygosity (Miyaki_2005, Olschwang_2007), or in compound heterozygosity with known- or likely pathogenic variants (Ruggieri_2013, Takao_2017, Furlan_2017). Functional studies indicated that the variant mildly diminishes RNA and protein expression, but completely abolishes DNA glycosylase activity (Ruggieri_2013), and partially impairs base excision repair (Komine_2015). Additionally, other variants at this amino acid position are reported in patients (p.Arg245His, p.Arg245Ser and p.Arg245Leu), suggesting this residue is critical for function. Seven ClinVar submitters (evaluation after 2014) cite the variant as pathogenic (n=6) and likely pathogenic (n=1). Based on the evidence outlined above, the variant was classified as pathogenic.

Revvity Omics, Revvity
Classification: Pathogenic for Familial adenomatous polyposis 2. Last evaluated: 2019-01-08. Review status: criteria provided, single submitter. Criteria: ACMG Guidelines, 2015. Collection method: clinical testing. Allele origin: germline.

CeGaT Center for Human Genetics Tuebingen
Classification: Pathogenic. Last evaluated: 2017-01-01. Review status: criteria provided, single submitter. Criteria: CeGaT Center For Human Genetics Tuebingen Variant Classification Criteria Version 2. Collection method: clinical testing. Allele origin: germline. Affected: yes. Observed: 1 variant allele.

Snyder Lab, Genetics Department, Stanford University
Classification: Pathogenic for Familial colorectal cancer. Last evaluated: 2017-01-01. Review status: criteria provided, single submitter. Criteria: ACMG Guidelines, 2015. Collection method: research. Allele origin: germline.

Laboratory for Genotyping Development, RIKEN
Classification: Pathogenic for Gastric cancer. Last evaluated: 2021-07-01. Review status: no assertion criteria provided. Collection method: research. Allele origin: germline. Not counted in ClinVar's aggregate classification.

Biesecker Lab/Clinical Genomics Section, National Institutes of Health
Classification: Likely pathogenic for MYH-associated polyposis. Last evaluated: 2012-07-13. Review status: no assertion criteria provided. Collection method: research. Allele origin: germline. Affected: no. Observed: 1 variant allele, 1 heterozygote. Study: ClinSeq. Not counted in ClinVar's aggregate classification.
ClinVar note: Converted during submission from probably pathogenic to Likely pathogenic.

Department of Pathology and Laboratory Medicine, Sinai Health System
Classification: Uncertain significance. Review status: no assertion criteria provided. Collection method: clinical testing. Allele origin: unknown. Affected: yes. Study: The Canadian Open Genetics Repository (COGR). Not counted in ClinVar's aggregate classification.

Literature cited by the submitters: PubMed 15890374 (cited by 8 submitters); PubMed 17949294 (cited by 6 submitters); PubMed 23108399 (cited by 8 submitters); PubMed 25820570 (cited by 8 submitters); PubMed 34026625 (cited by Color Diagnostics, LLC DBA Color Health and All of Us Research Program, National Institutes of Health); PubMed 34775073 (cited by Color Diagnostics, LLC DBA Color Health and All of Us Research Program, National Institutes of Health); PubMed 19506731 (cited by Ambry Genetics); PubMed 22865608 (cited by Ambry Genetics and Women's Health and Genetics/Laboratory Corporation of America, LabCorp); PubMed 24569162 (cited by Ambry Genetics and Women's Health and Genetics/Laboratory Corporation of America, LabCorp); PubMed 29330641 (cited by Institute for Genomic Medicine (IGM) Clinical Laboratory, Nationwide Children's Hospital and Women's Health and Genetics/Laboratory Corporation of America, LabCorp); PubMed 28141798 (cited by 3 submitters); PubMed 28152038 (cited by Quest Diagnostics Nichols Institute San Juan Capistrano); PubMed 30487145 (cited by Quest Diagnostics Nichols Institute San Juan Capistrano and Women's Health and Genetics/Laboratory Corporation of America, LabCorp); PubMed 17703316 (cited by Women's Health and Genetics/Laboratory Corporation of America, LabCorp); PubMed 23507534 (cited by Women's Health and Genetics/Laboratory Corporation of America, LabCorp); PubMed 31203172 (cited by Women's Health and Genetics/Laboratory Corporation of America, LabCorp); PubMed 32665031 (cited by Women's Health and Genetics/Laboratory Corporation of America, LabCorp); PubMed 32821650 (cited by Women's Health and Genetics/Laboratory Corporation of America, LabCorp); PubMed 31739127 (cited by Women's Health and Genetics/Laboratory Corporation of America, LabCorp); PubMed 31104418 (cited by Women's Health and Genetics/Laboratory Corporation of America, LabCorp); PubMed 29915346 (cited by Women's Health and Genetics/Laboratory Corporation of America, LabCorp); PubMed 36988593 (cited by Laboratory for Genotyping Development, RIKEN).